The following is an entry in ClinVar:

ClinVar aggregate classification (germline): Likely benign. Review status: criteria provided, multiple submitters, no conflicts (2 of 4 stars). 2 submissions from 2 submitters: Likely benign (2). Last evaluated 2025-10-06.

Conditions:
Intellectual disability, autosomal recessive 53 (NEDHSCA). Also called: GLYCOSYLPHOSPHATIDYLINOSITOL BIOSYNTHESIS DEFECT 13; Mental retardation, autosomal recessive 53; NEURODEVELOPMENTAL DISORDER WITH OR WITHOUT HYPOTONIA, SEIZURES, AND CEREBELLAR ATROPHY. Identifiers: Orphanet 488635, MedGen C4310794, MONDO:0014832, OMIM 616917.

Allele frequency attached by ClinVar (database versions not stated): gnomAD exomes 0.00002 and 0.00005; gnomAD 0.00004 and 0.00005; TOPMed 0.00005.
gnomAD v4.1: 79 of 1,614,100 alleles (0.0049%); highest among the groups gnomAD compares: Non-Finnish European, 0.006%; no homozygotes.

Submissions (2):

Labcorp Genetics (formerly Invitae), Labcorp
Classification: Likely benign for Intellectual disability, autosomal recessive 53. Last evaluated: 2025-10-06. Review status: criteria provided, single submitter. Criteria: Invitae Variant Classification Sherloc (09022015). Collection method: clinical testing. Allele origin: germline.

CeGaT Center for Human Genetics Tuebingen
Classification: Likely benign. Last evaluated: 2023-03-01. Review status: criteria provided, single submitter. Criteria: CeGaT Center For Human Genetics Tuebingen Variant Classification Criteria Version 2. Collection method: clinical testing. Allele origin: germline. Affected: yes. Observed: 1 variant allele.
Comment: PIGG: BP4, BP7

NM_001127178.3(PIGG):c.1461C>T (p.His487=)

Gene: PIGG (phosphatidylinositol glycan anchor biosynthesis class G (EMM blood group); plus strand). Cytogenetic location: 4p16.3.
Variant type: single nucleotide variant.
Coding change: c.1461C>T on transcript NM_001127178.3 (MANE Select); coding-DNA position 1461, C replaced by T.
Protein change: p.His487=; no amino-acid change (histidine 487 retained).
Molecular consequence: synonymous variant. On other transcripts: 3 prime UTR variant (2), 5 prime UTR variant (2), non-coding transcript variant (10).
Genome position (GRCh38, 1-based): chr4:521,788, C>T. VCF-style: chr4-521788-C-T. GRCh37 (hg19) VCF-style: chr4-515577-C-T.
Other names: c.1194C>T, p.His398= (NM_001289051.2, NM_001289053.2, NM_001345986.2); c.1062C>T, p.His354= (NM_001289052.2); c.*23C>T (NM_001289055.2); c.*76C>T (NM_001289057.2); c.1170C>T, p.His390= (NM_001345987.2); c.432C>T, p.His144= (NM_001345988.2); c.1461C>T, p.His487= (NM_001345989.2); c.-73C>T (NM_001345990.2, NM_001345991.2); and 2 more.
Identifiers: ClinVar variation 1554171 (VCV001554171.32), dbSNP rs893004331, ClinGen allele CA91065101.
Genomic context (GRCh38, chr4:521,788, plus strand): 5'-GTCATCTCCTGGGTTTTCTCTGCTCTTTTATTTGGTGATCCTGGTTCTTTCGGCCGTTCA[C>T]GTCATTGTGTGCACCTCAGCTGAAAGTTCGTGCTACTTCTGTGGCCTCTCGTGGCTGGCG-3'
Protein context (NP_001120650.1, residues 477-497): YLVILVLSAV[His487=]VIVCTSAESS